The following is an entry in ClinVar:

NM_020461.4(TUBGCP6):c.2515G>C (p.Gly839Arg)

Gene: TUBGCP6 (tubulin gamma complex component 6; minus strand). Cytogenetic location: 22q13.33.
Variant type: single nucleotide variant.
Coding change: c.2515G>C on transcript NM_020461.4 (MANE Select); coding-DNA position 2515, G replaced by C.
Protein change: p.Gly839Arg; replaces glycine 839 with arginine.
Molecular consequence: missense variant.
Genome position (GRCh38, 1-based): chr22:50,221,844, C>G on the plus strand (G>C on the coding strand, the complement: TUBGCP6 is on the minus strand). VCF-style: chr22-50221844-C-G. GRCh37 (hg19) VCF-style: chr22-50660273-C-G.
Other names: short protein forms G839R.
Identifiers: ClinVar variation 2130171 (VCV002130171.1), dbSNP rs149193305, ClinGen allele CA325461337.
Genomic context (GRCh38, chr22:50,221,844, plus strand): 5'-TCCAGCCATCCCAGGCAGGCGAGTGTTGCTCTGCAGACCCAGAATCACAGCCTTGGCCTC[C>G]CTCTGGGTGCTCAGGGCCCGGAGACGTGACCTGAAACACAGGTGACATCAGACCCAGTCT-3'
Protein context (NP_065194.3, residues 829-849): VTSPGPEHPE[Gly839Arg]GQGCDSGSAE

ClinVar aggregate classification (germline): Uncertain significance (1 of 4 stars; one submission).

Allele frequency attached by ClinVar (database versions not stated): gnomAD exomes below 0.00001; TOPMed 0.00001; gnomAD 0.00002; ESP Exome Variant Server 0.00008.
gnomAD v4.1: 4 of 1,512,724 alleles (0.00026%); highest among the groups gnomAD compares: African/African-American, 0.0042%; no homozygotes.

Submission:

Labcorp Genetics (formerly Invitae), Labcorp
Classification: Uncertain significance. Last evaluated: 2022-08-21. Review status: criteria provided, single submitter. Criteria: Invitae Variant Classification Sherloc (09022015). Collection method: clinical testing. Allele origin: germline.
Comment: This sequence change replaces glycine, which is neutral and non-polar, with arginine, which is basic and polar, at codon 839 of the TUBGCP6 protein (p.Gly839Arg). This variant is not present in population databases (gnomAD no frequency). This variant has not been reported in the literature in individuals affected with TUBGCP6-related conditions. Algorithms developed to predict the effect of missense changes on protein structure and function output the following: SIFT: "Tolerated"; PolyPhen-2: "Benign"; Align-GVGD: "Class C0". The arginine amino acid residue is found in multiple mammalian species, which suggests that this missense change does not adversely affect protein function. In summary, the available evidence is currently insufficient to determine the role of this variant in disease. Therefore, it has been classified as a Variant of Uncertain Significance.